The following is an entry in ClinVar:

ClinVar aggregate classification (germline): Pathogenic/Likely pathogenic. Review status: criteria provided, multiple submitters, no conflicts (2 of 4 stars). 2 submissions from 2 submitters: Pathogenic (1); Likely pathogenic (1). Last evaluated 2023-09-07.

Conditions:
Hereditary sensory and autonomic neuropathy type 6. Also called: Neuropathy, hereditary sensory and autonomic, type VI; HSAN VI. Identifiers: Orphanet 314381, MedGen C3539003, MONDO:0013839, OMIM 614653.
Epidermolysis bullosa simplex 3, localized or generalized intermediate, with BP230 deficiency (EBS3). Also called: Epidermolysis bullosa simplex due to BP230 deficiency; Epidermolysis bullosa simplex, autosomal recessive 2. Identifiers: Orphanet 412181, MedGen C3809470, MONDO:0014180, OMIM 615425.

Allele frequency attached by ClinVar (database versions not stated): ExAC 0.00005.
gnomAD v4.1: 65 of 1,614,094 alleles (0.004%); highest among the groups gnomAD compares: Non-Finnish European, 0.0055%; no homozygotes.

Submissions (2):

GeneDx
Classification: Likely pathogenic. Last evaluated: 2023-09-07. Review status: criteria provided, single submitter. Criteria: GeneDx Variant Classification Process June 2021. Collection method: clinical testing. Allele origin: germline. Affected: yes.
Comment: Nonsense variant predicted to result in protein truncation or nonsense mediated decay in a gene for which loss of function is a known mechanism of disease; Not observed at significant frequency in large population cohorts (gnomAD); Has not been previously published as pathogenic or benign to our knowledge

Labcorp Genetics (formerly Invitae), Labcorp
Classification: Pathogenic for Epidermolysis bullosa simplex 3, localized or generalized intermediate, with BP230 deficiency; Hereditary sensory and autonomic neuropathy type 6. Last evaluated: 2022-10-09. Review status: criteria provided, single submitter. Criteria: Invitae Variant Classification Sherloc (09022015). Collection method: clinical testing. Allele origin: germline.
Comment: For these reasons, this variant has been classified as Pathogenic. This variant has not been reported in the literature in individuals affected with DST-related conditions. This variant is present in population databases (rs747304080, gnomAD 0.006%). This sequence change creates a premature translational stop signal (p.Cys1828*) in the DST gene. It is expected to result in an absent or disrupted protein product. Loss-of-function variants in DST are known to be pathogenic (PMID: 22522446, 25059916, 30371979).

Literature cited by the submitters: PubMed 22522446 (cited by Labcorp Genetics (formerly Invitae), Labcorp); PubMed 25059916 (cited by Labcorp Genetics (formerly Invitae), Labcorp); PubMed 30371979 (cited by Labcorp Genetics (formerly Invitae), Labcorp).

NM_001723.7(DST):c.5484T>A (p.Cys1828Ter)

Gene: DST (dystonin; minus strand). Cytogenetic location: 6p12.1.
Variant type: single nucleotide variant.
Coding change: c.5484T>A on transcript NM_001723.7 (MANE Plus Clinical); coding-DNA position 5484, T replaced by A.
Protein change: p.Cys1828Ter; replaces cysteine 1828 with a stop codon.
Molecular consequence: nonsense. On other transcripts: intron variant (10).
Genome position (GRCh38, 1-based): chr6:56,618,550, A>T on the plus strand (T>A on the coding strand, the complement: DST is on the minus strand). VCF-style: chr6-56618550-A-T. GRCh37 (hg19) VCF-style: chr6-56483348-A-T.
Other names: c.4831-4066T>A (NM_001144769.5); c.4930-4066T>A (NM_001374722.1, NM_001374736.1); c.4957-4066T>A (NM_001374734.1); c.4417-4066T>A (NM_001144770.2); c.4297-4066T>A (NM_001374730.1, NM_001386100.1, NM_183380.4 and 1 more transcripts); c.3319-4066T>A (NM_015548.5); c.5484T>A (NM_001723.5); short protein forms C1828*.
Identifiers: ClinVar variation 2075404 (VCV002075404.5), dbSNP rs747304080, ClinGen allele CA3870351.